The following is an entry in ClinVar:

ClinVar aggregate classification (germline): Benign (0 of 4 stars; one submission).

Conditions:
UGT2B17-related disorder. Also called: UGT2B17-related condition.

Allele frequency attached by ClinVar (database versions not stated): ExAC 0.01298; 1000 Genomes Project 0.01478; gnomAD 0.02034; ESP Exome Variant Server 0.02070; 1000 Genomes Project 30x 0.02608.
gnomAD v4.1: 12,676 of 1,372,368 alleles (0.92%); highest among the groups gnomAD compares: East Asian, 7.1%; 3,275 homozygotes.

Submission:

PreventionGenetics, part of Exact Sciences
Classification: Benign for UGT2B17-related condition. Last evaluated: 2019-10-31. Review status: no assertion criteria provided. Collection method: clinical testing. Allele origin: germline.
Comment: This variant is classified as benign based on ACMG/AMP sequence variant interpretation guidelines (Richards et al. 2015 PMID: 25741868, with internal and published modifications).

NM_001077.4(UGT2B17):c.265T>G (p.Phe89Val)

Gene: UGT2B17 (UDP glucuronosyltransferase family 2 member B17; minus strand). Cytogenetic location: 4q13.2.
Variant type: single nucleotide variant.
Coding change: c.265T>G on transcript NM_001077.4 (MANE Select); coding-DNA position 265, T replaced by G.
Protein change: p.Phe89Val; replaces phenylalanine 89 with valine.
Molecular consequence: missense variant.
Genome position (GRCh38, 1-based): chr4:68,568,220, A>C on the plus strand (T>G on the coding strand, the complement: UGT2B17 is on the minus strand). VCF-style: chr4-68568220-A-C. GRCh37 (hg19) VCF-style: chr4-69433938-A-C.
Other names: short protein forms F89V.
Identifiers: ClinVar variation 3042364 (VCV003042364.2), dbSNP rs79242783, ClinGen allele CA2942283.
Genomic context (GRCh38, chr4:68,568,220, plus strand): 5'-ATGACCAAAATGTATTTTTTGAAATACTATATGTCCATCTATCGAACATTTTCATAAAAA[A>C]ATCTTCCAAATCATTTTTAGTTAAAGATGTAGGATAAACTTCTAATTTAATAGCAGATGA-3'
Protein context (NP_001068.1, residues 79-99): TSLTKNDLED[Phe89Val]FMKMFDRWTY